The following is an entry in ClinVar:

ClinVar aggregate classification (germline): Benign/Likely benign. Review status: criteria provided, multiple submitters, no conflicts (2 of 4 stars). 14 submissions from 11 submitters: Benign (10); Likely benign (4). Last evaluated 2026-08-01.

Conditions:
Autosomal recessive limb-girdle muscular dystrophy type 2J (LGMDR10). Also called: MUSCULAR DYSTROPHY, LIMB-GIRDLE, AUTOSOMAL RECESSIVE 10; Limb-girdle muscular dystrophy, type 2J. Identifiers: Orphanet 140922, MedGen C1837342, MONDO:0012127, OMIM 608807.
Dilated cardiomyopathy 1G (CMD1G). Identifiers: Orphanet 154, MedGen C1858763, MONDO:0011400, OMIM 604145.
Early-onset myopathy with fatal cardiomyopathy (CMYO5). Also called: CONGENITAL MYOPATHY 5 WITH CARDIOMYOPATHY; Salih Myopathy. Identifiers: Orphanet 289377, MedGen C2673677, MONDO:0012714, OMIM 611705. Disease mechanism: loss of function.
Myopathy, myofibrillar, 9, with early respiratory failure (MFM9). Also called: Myopathy, distal, with early respiratory failure, autosomal dominant; Hereditary myopathy with early respiratory failure; EDSTROM MYOPATHY; MYOPATHY, PROXIMAL, WITH EARLY RESPIRATORY MUSCLE INVOLVEMENT. Identifiers: Orphanet 178464, Orphanet 34521, MedGen C1863599, MONDO:0011362, OMIM 603689.
Tibial muscular dystrophy (TMD). Also called: Tibial muscular dystrophy, tardive; Udd Distal Myopathy – Tibial Muscular Dystrophy; UDD MYOPATHY. Identifiers: Orphanet 609, MedGen C1838244, MONDO:0010870, OMIM 600334.

Allele frequency attached by ClinVar (database versions not stated): gnomAD exomes 0.00008 and 0.00032; gnomAD 0.00108 and 0.00105; ESP Exome Variant Server 0.00151; 1000 Genomes Project 30x 0.00172; ExAC 0.00040; 1000 Genomes Project 0.00140; TOPMed 0.00121.

Submissions (14):

CeGaT Center for Human Genetics Tuebingen
Classification: Likely benign. Last evaluated: 2026-08-01. Review status: criteria provided, single submitter. Criteria: CeGaT Center For Human Genetics Tuebingen Variant Classification Criteria Version 2. Collection method: clinical testing. Allele origin: germline. Affected: yes. Observed: 2 variant alleles.
Comment: TTN: BP4, BP7

Labcorp Genetics (formerly Invitae), Labcorp
Classification: Benign for Dilated cardiomyopathy 1G; Autosomal recessive limb-girdle muscular dystrophy type 2J. Last evaluated: 2026-01-27. Review status: criteria provided, single submitter. Criteria: Invitae Variant Classification Sherloc (09022015). Collection method: clinical testing. Allele origin: germline.

Molecular Diagnostic Laboratory for Inherited Cardiovascular Disease, Montreal Heart Institute
Classification: Benign. Last evaluated: 2025-04-09. Review status: criteria provided, single submitter. Criteria: ACMG Guidelines, 2015. Collection method: clinical testing. Allele origin: germline. Affected: no.
Comment: BS1;BP6;BP7

Blueprint Genetics
Classification: Likely benign. Last evaluated: 2024-11-11. Review status: criteria provided, single submitter. Criteria: ACMG Guidelines, 2015. Collection method: clinical testing. Allele origin: germline.

Women's Health and Genetics/Laboratory Corporation of America, LabCorp
Classification: Likely benign. Last evaluated: 2022-08-06. Review status: criteria provided, single submitter. Criteria: LabCorp Variant Classification Summary - May 2015. Collection method: clinical testing. Allele origin: germline.

Genome-Nilou Lab
Classification: Benign for Autosomal recessive limb-girdle muscular dystrophy type 2J. Last evaluated: 2021-09-10. Review status: criteria provided, single submitter. Criteria: ACMG Guidelines, 2015. Collection method: clinical testing. Allele origin: germline. Affected: no.

Genome-Nilou Lab
Classification: Benign for Myopathy, myofibrillar, 9, with early respiratory failure. Last evaluated: 2021-09-10. Review status: criteria provided, single submitter. Criteria: ACMG Guidelines, 2015. Collection method: clinical testing. Allele origin: germline. Affected: no.

Genome-Nilou Lab
Classification: Benign for Early-onset myopathy with fatal cardiomyopathy. Last evaluated: 2021-09-10. Review status: criteria provided, single submitter. Criteria: ACMG Guidelines, 2015. Collection method: clinical testing. Allele origin: germline. Affected: no.

Genome-Nilou Lab
Classification: Benign for Tibial muscular dystrophy. Last evaluated: 2021-09-10. Review status: criteria provided, single submitter. Criteria: ACMG Guidelines, 2015. Collection method: clinical testing. Allele origin: germline. Affected: no.

ARUP Laboratories, Molecular Genetics and Genomics, ARUP Laboratories
Classification: Benign. Last evaluated: 2021-07-10. Review status: criteria provided, single submitter. Criteria: ARUP Molecular Germline Variant Investigation Process 2021. Collection method: clinical testing. Allele origin: germline.

Athena Diagnostics
Classification: Benign. Last evaluated: 2016-10-28. Review status: criteria provided, single submitter. Criteria: Athena Diagnostics Criteria. Collection method: clinical testing. Allele origin: germline.

Eurofins Ntd Llc (ga)
Classification: Likely benign. Last evaluated: 2015-08-21. Review status: criteria provided, single submitter. Criteria: EGL Classification Definitions 2015. Collection method: clinical testing. Allele origin: germline. Observed: 2 variant alleles, 2 heterozygotes.

GeneDx
Classification: Benign. Last evaluated: 2015-08-14. Review status: criteria provided, single submitter. Criteria: GeneDx Variant Classification (06012015). Collection method: clinical testing. Allele origin: germline. Affected: yes.
Comment: This variant is considered likely benign or benign based on one or more of the following criteria: it is a conservative change, it occurs at a poorly conserved position in the protein, it is predicted to be benign by multiple in silico algorithms, and/or has population frequency not consistent with disease.

Laboratory for Molecular Medicine, Mass General Brigham Personalized Medicine
Classification: Benign. Last evaluated: 2012-01-24. Review status: criteria provided, single submitter. Criteria: LMM Criteria. Collection method: clinical testing. Allele origin: germline. Observed: 4 variant alleles.

NM_001267550.2(TTN):c.16422A>G (p.Gln5474=)

Gene: TTN (titin; minus strand). Cytogenetic location: 2q31.2.
Variant type: single nucleotide variant.
Coding change: c.16422A>G on transcript NM_001267550.2 (MANE Select); coding-DNA position 16422, A replaced by G.
Protein change: p.Gln5474=; no amino-acid change (glutamine 5474 retained).
Molecular consequence: synonymous variant. On other transcripts: intron variant (3).
Genome position (GRCh38, 1-based): chr2:178,732,639, T>C on the plus strand (A>G on the coding strand, the complement: TTN is on the minus strand). VCF-style: chr2-178732639-T-C. GRCh37 (hg19) VCF-style: chr2-179597366-T-C.
Other names: c.15471A>G, p.Gln5157= (NM_001256850.1); c.12690A>G, p.Gln4230= (NM_133378.4); c.13282+5443A>G (NM_003319.4); c.13858+5443A>G (NM_133437.4); c.13657+5443A>G (NM_133432.3).
Identifiers: ClinVar variation 46616 (VCV000046616.55), dbSNP rs371026448, ClinGen allele CA138768.